The following is an entry in ClinVar:

NM_130384.3(ATRIP):c.631C>T (p.Arg211Ter)

Genes: ATRIP-TREX1 (ATRIP-TREX1 readthrough; plus strand), ATRIP (ATR interacting protein; plus strand). Cytogenetic location: 3p21.31.
Variant type: single nucleotide variant.
Coding change: c.631C>T on transcript NM_130384.3 (MANE Select); coding-DNA position 631, C replaced by T.
Protein change: p.Arg211Ter; replaces arginine 211 with a stop codon.
Molecular consequence: nonsense. On other transcripts: non-coding transcript variant (1).
Genome position (GRCh38, 1-based): chr3:48,454,378, C>T. VCF-style: chr3-48454378-C-T. GRCh37 (hg19) VCF-style: chr3-48495778-C-T.
Other names: c.250C>T, p.Arg84Ter (NM_001271022.2); c.352C>T, p.Arg118Ter (NM_001271023.2); c.631C>T, p.Arg211Ter (NM_032166.4); short protein forms R211*, R118*, R84*.
Identifiers: ClinVar variation 1419762 (VCV001419762.6), dbSNP rs775286602, ClinGen allele CA2376016.

ClinVar aggregate classification (germline): Uncertain significance (1 of 4 stars; one submission).

Allele frequency attached by ClinVar (database versions not stated): gnomAD exomes 0.00001; ExAC 0.00002.

Submission:

Labcorp Genetics (formerly Invitae), Labcorp
Classification: Uncertain significance. Last evaluated: 2022-03-17. Review status: criteria provided, single submitter. Criteria: Invitae Variant Classification Sherloc (09022015). Collection method: clinical testing. Allele origin: germline.
Comment: Experimental studies and prediction algorithms are not available or were not evaluated, and the functional significance of this variant is currently unknown. In summary, the available evidence is currently insufficient to determine the role of this variant in disease. Therefore, it has been classified as a Variant of Uncertain Significance. This variant has not been reported in the literature in individuals affected with ATRIP-related conditions. This sequence change creates a premature translational stop signal (p.Arg211*) in the ATRIP gene. It is expected to result in an absent or disrupted protein product. However, the current clinical and genetic evidence is not sufficient to establish whether loss-of-function variants in ATRIP cause disease. The frequency data for this variant in the population databases is considered unreliable, as metrics indicate poor data quality at this position in the gnomAD database.